The following is an entry in ClinVar:

NM_020163.3(SEMA3G):c.149del (p.Leu50fs)

Gene: SEMA3G (semaphorin 3G; minus strand). Cytogenetic location: 3p21.1.
Variant type: Deletion.
Coding change: c.149del on transcript NM_020163.3 (MANE Select); coding-DNA position 149, one base deleted (T; older notation c.149delT).
Protein change: p.Leu50fs; shifts the reading frame from leucine 50.
Molecular consequence: frameshift variant.
Genome position (GRCh38, 1-based): chr3:52,442,874, A deleted on the plus strand (T on the coding strand, the reverse complement: SEMA3G is on the minus strand). VCF-style (leftmost placement, unchanged base first): chr3-52442873-CA-C. GRCh37 (hg19) VCF-style: chr3-52476889-CA-C.
Other names: short protein forms L50fs.
Identifiers: ClinVar variation 4996531 (VCV004996531.1).

ClinVar aggregate classification (germline): Uncertain significance (1 of 4 stars; one submission).

Conditions:
SEMA3G-related disorder. Also called: SEMA3G-related condition.

Submission:

PreventionGenetics, part of Exact Sciences
Classification: Uncertain significance for SEMA3G-related condition. Last evaluated: 2026-06-25. Review status: criteria provided, single submitter. Criteria: ACMG Guidelines, 2015. Collection method: clinical testing. Allele origin: germline.
Comment: The SEMA3G c.149delT variant is predicted to result in a frameshift and premature protein termination (p.Leu50Argfs*7). To our knowledge, this variant has not been reported in the literature or in a large population database (gnomAD), indicating this variant is rare. At this time, the clinical significance of this variant is uncertain due to the absence of conclusive functional and genetic evidence.